The following is an entry in ClinVar:

NM_001042492.3(NF1):c.4177G>C (p.Val1393Leu)

Gene: NF1 (neurofibromin 1; plus strand). Cytogenetic location: 17q11.2.
Variant type: single nucleotide variant.
Coding change: c.4177G>C on transcript NM_001042492.3 (MANE Select); coding-DNA position 4177, G replaced by C.
Protein change: p.Val1393Leu; replaces valine 1393 with leucine.
Molecular consequence: missense variant.
Genome position (GRCh38, 1-based): chr17:31,258,347, G>C. VCF-style: chr17-31258347-G-C. GRCh37 (hg19) VCF-style: chr17-29585365-G-C.
Other names: c.4114G>C, p.Val1372Leu (NM_000267.4); short protein forms V1372L, V1393L.
Identifiers: ClinVar variation 3634547 (VCV003634547.3).

ClinVar aggregate classification (germline): Uncertain significance. Review status: criteria provided, multiple submitters, no conflicts (2 of 4 stars). 2 submissions from 2 submitters: Uncertain significance (2). Last evaluated 2024-06-25.

Conditions:
Neurofibromatosis, type 1 (NF1). Also called: Neurofibromatosis, type I; Peripheral type neurofibromatosis; VON RECKLINGHAUSEN DISEASE; NEUROFIBROMATOSIS, TYPE I, SOMATIC. Identifiers: Orphanet 636, MedGen C0027831, MONDO:0018975, OMIM 162200. Disease mechanism: loss of function.

Submissions (2):

Labcorp Genetics (formerly Invitae), Labcorp
Classification: Uncertain significance for Neurofibromatosis, type 1. Last evaluated: 2024-06-25. Review status: criteria provided, single submitter. Criteria: Invitae Variant Classification Sherloc (09022015). Collection method: clinical testing. Allele origin: germline.
Comment: This sequence change replaces valine, which is neutral and non-polar, with leucine, which is neutral and non-polar, at codon 1372 of the NF1 protein (p.Val1372Leu). This variant is not present in population databases (gnomAD no frequency). This variant has not been reported in the literature in individuals affected with NF1-related conditions. Advanced modeling of protein sequence and biophysical properties (such as structural, functional, and spatial information, amino acid conservation, physicochemical variation, residue mobility, and thermodynamic stability) has been performed at Invitae for this missense variant, however the output from this modeling did not meet the statistical confidence thresholds required to predict the impact of this variant on NF1 protein function. In summary, the available evidence is currently insufficient to determine the role of this variant in disease. Therefore, it has been classified as a Variant of Uncertain Significance.

Blueprint Genetics
Classification: Uncertain significance. Last evaluated: 2023-01-11. Review status: criteria provided, single submitter. Criteria: ACMG Guidelines, 2015. Collection method: clinical testing. Allele origin: germline.